The following is an entry in ClinVar:

ClinVar aggregate classification (germline): Uncertain significance (1 of 4 stars; one submission).

Conditions:
Atrioventricular septal defect 5 (AVSD5). Identifiers: MedGen C3280939, MONDO:0013769, OMIM 614474.

Allele frequency attached by ClinVar (database versions not stated): TOPMed below 0.00001; gnomAD 0.00001.

Submission:

Labcorp Genetics (formerly Invitae), Labcorp
Classification: Uncertain significance for Atrioventricular septal defect 5. Last evaluated: 2026-01-06. Review status: criteria provided, single submitter. Criteria: Invitae Variant Classification Sherloc (09022015). Collection method: clinical testing. Allele origin: germline.
Comment: This sequence change replaces glycine, which is neutral and non-polar, with arginine, which is basic and polar, at codon 103 of the GATA6 protein (p.Gly103Arg). The frequency data for this variant in the population databases is considered unreliable, as metrics indicate poor data quality at this position in the gnomAD database. This variant has not been reported in the literature in individuals affected with GATA6-related conditions. ClinVar contains an entry for this variant (Variation ID: 472913). An algorithm developed to predict the effect of missense changes on protein structure and function (PolyPhen-2) suggests that this variant is likely to be disruptive. In summary, the available evidence is currently insufficient to determine the role of this variant in disease. Therefore, it has been classified as a Variant of Uncertain Significance.

NM_005257.6(GATA6):c.307G>C (p.Gly103Arg)

Gene: GATA6 (GATA binding protein 6; plus strand). Cytogenetic location: 18q11.2.
Variant type: single nucleotide variant.
Coding change: c.307G>C on transcript NM_005257.6 (MANE Select); coding-DNA position 307, G replaced by C.
Protein change: p.Gly103Arg; replaces glycine 103 with arginine.
Molecular consequence: missense variant.
Genome position (GRCh38, 1-based): chr18:22,171,451, G>C. VCF-style: chr18-22171451-G-C. GRCh37 (hg19) VCF-style: chr18-19751412-G-C.
Other names: short protein forms G103R.
Identifiers: ClinVar variation 472913 (VCV000472913.9), dbSNP rs749200220, ClinGen allele CA8908868.